The following is an entry in ClinVar:

NM_000492.4(CFTR):c.2490+8T>C

Gene: CFTR (CF transmembrane conductance regulator; plus strand). Cytogenetic location: 7q31.2.
Variant type: single nucleotide variant.
Coding change: c.2490+8T>C on transcript NM_000492.4 (MANE Select); 8 bases into the intron after coding-DNA position 2490, T replaced by C.
Molecular consequence: intron variant.
Genome position (GRCh38, 1-based): chr7:117,592,665, T>C. VCF-style: chr7-117592665-T-C. GRCh37 (hg19) VCF-style: chr7-117232719-T-C.
Other names: c.2490+8T>C (NM_000492.3).
Identifiers: ClinVar variation 2060791 (VCV002060791.6), dbSNP rs1236813330, ClinGen allele CA577680738.

ClinVar aggregate classification (germline): Likely benign. Review status: criteria provided, multiple submitters, no conflicts (2 of 4 stars). 3 submissions from 3 submitters: Likely benign (3). Last evaluated 2026-05-29.

Conditions:
CFTR-related disorder (CFTR-RD). Also called: CFTR-related disorders; CFTR-related condition. Identifiers: MedGen C5924204, MONDO:7770004.
Cystic fibrosis (CF). Also called: MUCOVISCIDOSIS. Identifiers: Orphanet 586, MedGen C0010674, MONDO:0009061, OMIM 219700. Disease mechanism: loss of function.

Allele frequency attached by ClinVar (database versions not stated): gnomAD exomes below 0.00001; TOPMed 0.00001.

Submissions (3):

PreventionGenetics, part of Exact Sciences
Classification: Likely benign for CFTR-related condition. Last evaluated: 2026-05-29. Review status: criteria provided, single submitter. Criteria: ACMG Guidelines, 2015. Collection method: clinical testing. Allele origin: germline.
Comment: This variant is classified as likely benign based on ACMG/AMP sequence variant interpretation guidelines (Richards et al. 2015 PMID: 25741868, with internal and published modifications).

Ambry Genetics
Classification: Likely benign for Cystic fibrosis. Last evaluated: 2026-04-27. Review status: criteria provided, single submitter. Criteria: Ambry Variant Classification Scheme 2023. Collection method: clinical testing. Allele origin: germline.

Labcorp Genetics (formerly Invitae), Labcorp
Classification: Likely benign for Cystic fibrosis. Last evaluated: 2025-09-25. Review status: criteria provided, single submitter. Criteria: Invitae Variant Classification Sherloc (09022015). Collection method: clinical testing. Allele origin: germline.